The following is an entry in ClinVar:

NM_001146.5(ANGPT1):c.215C>T (p.Pro72Leu)

Gene: ANGPT1 (angiopoietin 1; minus strand). Cytogenetic location: 8q23.1.
Variant type: single nucleotide variant.
Coding change: c.215C>T on transcript NM_001146.5 (MANE Select); coding-DNA position 215, C replaced by T.
Protein change: p.Pro72Leu; replaces proline 72 with leucine.
Molecular consequence: missense variant.
Genome position (GRCh38, 1-based): chr8:107,497,344, G>A on the plus strand (C>T on the coding strand, the complement: ANGPT1 is on the minus strand). VCF-style: chr8-107497344-G-A. GRCh37 (hg19) VCF-style: chr8-108509572-G-A.
Other names: c.215C>T, p.Pro72Leu (NM_001199859.3); short protein forms P72L.
Identifiers: ClinVar variation 2097523 (VCV002097523.4), dbSNP rs2536914258, ClinGen allele CA372035272.

ClinVar aggregate classification (germline): Uncertain significance (1 of 4 stars; one submission).

Submission:

Labcorp Genetics (formerly Invitae), Labcorp
Classification: Uncertain significance. Last evaluated: 2022-02-14. Review status: criteria provided, single submitter. Criteria: Invitae Variant Classification Sherloc (09022015). Collection method: clinical testing. Allele origin: germline.
Comment: This variant has not been reported in the literature in individuals affected with ANGPT1-related conditions. This sequence change replaces proline, which is neutral and non-polar, with leucine, which is neutral and non-polar, at codon 72 of the ANGPT1 protein (p.Pro72Leu). This variant is not present in population databases (gnomAD no frequency). Algorithms developed to predict the effect of missense changes on protein structure and function are either unavailable or do not agree on the potential impact of this missense change (SIFT: "Deleterious"; PolyPhen-2: "Probably Damaging"; Align-GVGD: "Class C0"). In summary, the available evidence is currently insufficient to determine the role of this variant in disease. Therefore, it has been classified as a Variant of Uncertain Significance.